The following is an entry in ClinVar:

ClinVar aggregate classification (germline): Likely pathogenic. Review status: reviewed by expert panel (3 of 4 stars). 19 submissions from 19 submitters: Likely pathogenic (1). 18 of the submissions do not count toward it. Last evaluated 2023-04-05.

Conditions:
Breast-ovarian cancer, familial, susceptibility to, 5 (BROVCA5). Identifiers: MedGen C5830615, MONDO:0957530, OMIM 620442.
PALB2-related disorder. Also called: PALB2-related condition; PALB2-related disorders.
PALB2-related cancer predisposition. Identifiers: MedGen CN377761, MONDO:0700272.
Hereditary cancer-predisposing syndrome. Also called: Tumor predisposition; Hereditary neoplastic syndrome; Neoplastic Syndromes, Hereditary; Hereditary Cancer Syndrome. Identifiers: Orphanet 140162, MedGen C0027672, MeSH D009386, MONDO:0015356.
Familial cancer of breast. Also called: Hereditary breast cancer; hereditary breast carcinoma; BREAST CANCER, FAMILIAL. Identifiers: Orphanet 227535, MedGen C0346153, MONDO:0016419, OMIM 114480. Disease mechanism: loss of function.
Malignant tumor of breast. Also called: Malignant breast neoplasm; Cancer breast. Identifiers: MedGen C0006142, MONDO:0007254. Disease mechanism: loss of function.

Allele frequency attached by ClinVar (database versions not stated): gnomAD exomes below 0.00001; TOPMed 0.00002.
gnomAD v4.1: 5 of 1,613,762 alleles (0.00031%); highest among the groups gnomAD compares: Middle Eastern, 0.017%; no homozygotes.

Submissions 1 to 7 of 19:

ClinGen Hereditary Breast, Ovarian and Pancreatic Cancer Variant Curation Expert Panel, ClinGen
Classification: Likely pathogenic for PALB2-related cancer predisposition. Last evaluated: 2023-04-05. Review status: reviewed by expert panel. Criteria: ClinGen HBOP VCEP ACMG Specifications PALB2 V1.0.0. Collection method: curation. Allele origin: germline. Inheritance: Autosomal dominant inheritance.
Comment: The c.3350+4A>G variant in PALB2 is an intronic variant proximal to the exon 12 canonical splice donor site. This variant has a minor allele frequency in gnomAD v2.1.1 of 0.000008796 in the non-Finnish European population (PM2_Supporting, BS1, and BA1 are not met). This intronic variant is proximal to the exon 12 canonical splice donor site. RNA analysis demonstrated that the variant impacts splicing, generating two abnormal products: r.3202_ 3350del149, in which exon 12 is skipped, and r.3350insGCAG, which utilizes a cryptic splice donor site, both of which result in translational frameshifts. The resulting mRNA products are not expected to be susceptible to nonsense-mediated decay, but impacts the WD40 domain, which is a functionally important region (PMID: 17200671, additional information in Reinhard Kalb dissertation (urn:nbn:de:bvb:20-opus-25823)). This variant has been detected in an individual with Fanconi Anemia that is compound heterozygous for this variant and a pathogenic variant confirmed in trans by parental testing (PALB2 c.2393_2394insCT (p.Thr799fs), PMID: 17200671). In summary, this variant meets the criteria to be classified as likely pathogenic for autosomal dominant hereditary breast and pancreatic cancer and autosomal recessive FANCN based on the ACMG/AMP criteria applied as specified by the HBOP VCEP. (PVS1(RNA), PM3)

Labcorp Genetics (formerly Invitae), Labcorp
Classification: Pathogenic for Familial cancer of breast. Last evaluated: 2026-01-25. Review status: criteria provided, single submitter. Criteria: Invitae Variant Classification Sherloc (09022015). Collection method: clinical testing. Allele origin: germline. Not counted in ClinVar's aggregate classification.
Comment: This sequence change falls in intron 12 of the PALB2 gene. It does not directly change the encoded amino acid sequence of the PALB2 protein. RNA analysis indicates that this variant induces altered splicing and likely disrupts the C-terminus of the protein. This variant is present in population databases (rs180177136, gnomAD 0.0009%). This variant has been observed in individual(s) with breast cancer and medulloblastoma and/or Fanconi anemia (PMID: 17200671, 26976419, 28828701, 29753700, 32339256). In at least one individual the data is consistent with being in trans (on the opposite chromosome) from a pathogenic variant. This variant is also known as IVS12+4A>G. ClinVar contains an entry for this variant (Variation ID: 126737). Algorithms developed to predict the effect of variants on gene product structure and function are not available or were not evaluated for this variant. Experimental studies have shown that this variant affects PALB2 function (PMID: 17200671, 23934222). Variants that disrupt the consensus splice site are a relatively common cause of aberrant splicing (PMID: 17576681, 9536098). Studies have shown that this variant results in the activation of a cryptic splice site and introduces a new termination codon and introduces a new termination codon (internal data). However the mRNA is not expected to undergo nonsense-mediated decay. For these reasons, this variant has been classified as Pathogenic.

Victorian Clinical Genetics Services, Murdoch Childrens Research Institute
Classification: Likely pathogenic for PALB2-related cancer predisposition. Last evaluated: 2026-01-20. Review status: criteria provided, single submitter. Criteria: ACMG Guidelines, 2015. Collection method: clinical testing. Allele origin: germline. Affected: no. Not counted in ClinVar's aggregate classification.
Comment: This variant is classified as Likely pathogenic. Evidence in support of pathogenic classification: Splice site variant proven to affect splicing of the transcript with uncertain effect on protein sequence. This variant has been shown to lead to two outcomes on a minigene assay; the deletion of exon 12 and the establishment of a cryptic donor site four nucleotides downstream of exon 12 (PMIDs: 34846068, 17200671); Variant is present in gnomAD <0.01 (v4: 5 heterozygote(s), 0 homozygote(s)); This variant has strong previous evidence of pathogenicity in unrelated individuals. This variant has been classified as likely pathogenic by the ClinGen Hereditary Breast, Ovarian and Pancreatic Cancer Variant Curation Expert Panel. It is classified as both pathogenic and likely pathogenic by clinical laboratories in ClinVar. Additional information: This variant is heterozygous; This gene is associated with both recessive and dominant disease. Biallelic variants in this gene are associated with fanconi anaemia, complementation group N (MIM#610832), while monoallelic variants are associated with PALB2-related cancer predisposition (MONDO:0700272); Alternative nucleotide change(s) at the same non-canonical splice site are present in gnomAD (highest allele count: v4: 3 heterozygote(s), 0 homozygote(s)); Loss of function is a known mechanism of disease in this gene and is associated with fanconi anaemia, complementation group N (MIM#610832) and PALB2-related cancer predisposition (MONDO:0700272); Inheritance information for this variant is not currently available in this individual.

Quest Diagnostics Nichols Institute San Juan Capistrano
Classification: Pathogenic. Last evaluated: 2025-10-01. Review status: criteria provided, single submitter. Criteria: Quest Diagnostics criteria. Collection method: clinical testing. Allele origin: unknown. Not counted in ClinVar's aggregate classification.
Comment: The PALB2 c.3350+4A>G variant has been reported in the published literature in individuals with a personal and/or family history of breast cancer (PMID: 38890714 (2024), 38874686 (2024), 37444530 (2023), 35610400 (2022), 33910496 (2021), 33120919 (2020), 32339256 (2020), 30128536 (2018), 28828701 (2017), 26976419 (2016)), pancreatic cancer (PMID: 35171259 (2022), 29922827 (2018)), medulloblastoma (PMID: 29753700 (2018)), and Fanconi anemia, including one homozygote (PMID: 32947577 (2021)) and one compound heterozygote carrying a second pathogenic PALB2 variant (PMID: 20153123 (2010), 17200671 (2007)). Additionally, functional studies demonstrated that this variant disrupted PALB2 mRNA splicing (PMID: 37444530 (2023), 34846068 (2022), 17200671 (2007)). The frequency of this variant in the general population (Genome Aggregation Database) is uninformative in the assessment of its pathogenicity. Analysis of this variant using software algorithms for the prediction of the effect of nucleotide changes on PALB2 mRNA splicing yielded predictions that this variant may result in the gain of a cryptic splice site without affecting the natural splice sites. Based on the available information, this variant is classified as pathogenic.

CeGaT Center for Human Genetics Tuebingen
Classification: Pathogenic. Last evaluated: 2025-06-01. Review status: criteria provided, single submitter. Criteria: CeGaT Center For Human Genetics Tuebingen Variant Classification Criteria Version 2. Collection method: clinical testing. Allele origin: germline. Affected: yes. Observed: 1 variant allele. Not counted in ClinVar's aggregate classification.
Comment: PALB2: PVS1, PS4:Moderate, PM2:Supporting, BP4

Dubai Health Genomic Medicine Center, Dubai Health
Classification: Likely pathogenic for Breast cancer. Last evaluated: 2024-10-04. Review status: criteria provided, single submitter. Criteria: ACMG Guidelines, 2015. Collection method: research. Allele origin: germline. Affected: yes. Not counted in ClinVar's aggregate classification.
Comment: PVS1(RNA), PM3

Molecular Pathology, Peter Maccallum Cancer Centre
Classification: Likely pathogenic for Familial cancer of breast. Last evaluated: 2024-01-30. Review status: criteria provided, single submitter. Criteria: ACMG Guidelines, 2015. Collection method: clinical testing. Allele origin: germline. Inheritance: Autosomal dominant inheritance. Not counted in ClinVar's aggregate classification.

NM_024675.4(PALB2):c.3350+4A>G

Gene: PALB2 (partner and localizer of BRCA2; minus strand). Cytogenetic location: 16p12.2.
Variant type: single nucleotide variant.
Coding change: c.3350+4A>G on transcript NM_024675.4 (MANE Select); 4 bases into the intron after coding-DNA position 3350, A replaced by G.
Molecular consequence: intron variant.
Genome position (GRCh38, 1-based): chr16:23,607,860, T>C on the plus strand (A>G on the coding strand, the complement: PALB2 is on the minus strand). VCF-style: chr16-23607860-T-C. GRCh37 (hg19) VCF-style: chr16-23619181-T-C.
Other names: NM_024675.3(PALB2):c.3350+4A>G.
Identifiers: ClinVar variation 126737 (VCV000126737.47), dbSNP rs180177136, ClinGen allele CA269618.